The following is an entry in ClinVar:

ClinVar aggregate classification (germline): Uncertain significance. Review status: criteria provided, multiple submitters, no conflicts (2 of 4 stars). 8 submissions from 5 submitters: Uncertain significance (8). Last evaluated 2025-05-27.

Conditions:
Thyrotoxic periodic paralysis, susceptibility to, 1 (TTPP1). Identifiers: Orphanet 79102, MedGen C2749982, MONDO:0008570, OMIM 188580.
Hypokalemic periodic paralysis, type 1. Also called: HypoPP; Hypokalemic Periodic Paralysis Type 1 (AD). Identifiers: Orphanet 681, MedGen C3714580, MONDO:0042979, OMIM 170400.
Malignant hyperthermia, susceptibility to, 5 (MHS5). Also called: CACNA1S-Related Malignant Hyperthermia Susceptibility. Identifiers: Orphanet 423, MedGen C1866077, MONDO:0011163, OMIM 601887.
Congenital myopathy 18. Also called: DIHYDROPYRIDINE RECEPTOR CONGENITAL MYOPATHY; DHPR CONGENITAL MYOPATHY; Myopathy, congenital, due to dihydropyridine receptor defect. Identifiers: MedGen C5830283, MONDO:0859514, OMIM 620246.

gnomAD v4.1: 3 of 1,614,144 alleles (0.00019%); highest among the groups gnomAD compares: Non-Finnish European, 0.00025%; no homozygotes.

Submissions (8):

Labcorp Genetics (formerly Invitae), Labcorp
Classification: Uncertain significance for Hypokalemic periodic paralysis, type 1; Malignant hyperthermia, susceptibility to, 5. Last evaluated: 2025-05-27. Review status: criteria provided, single submitter. Criteria: Invitae Variant Classification Sherloc (09022015). Collection method: clinical testing. Allele origin: germline.
Comment: This sequence change replaces arginine, which is basic and polar, with glycine, which is neutral and non-polar, at codon 1086 of the CACNA1S protein (p.Arg1086Gly). This variant is present in population databases (rs80338782, gnomAD 0.002%). This variant has not been reported in the literature in individuals affected with CACNA1S-related conditions. ClinVar contains an entry for this variant (Variation ID: 935742). Invitae Evidence Modeling of protein sequence and biophysical properties (such as structural, functional, and spatial information, amino acid conservation, physicochemical variation, residue mobility, and thermodynamic stability) has been performed for this missense variant. However, the output from this modeling did not meet the statistical confidence thresholds required to predict the impact of this variant on CACNA1S protein function. This variant disrupts the p.Arg1086 amino acid residue in CACNA1S. Other variant(s) that disrupt this residue have been determined to be pathogenic (PMID: 9199552). This suggests that this residue is clinically significant, and that variants that disrupt this residue are likely to be disease-causing. In summary, the available evidence is currently insufficient to determine the role of this variant in disease. Therefore, it has been classified as a Variant of Uncertain Significance.

Revvity Omics, Revvity
Classification: Uncertain significance. Last evaluated: 2024-02-15. Review status: criteria provided, single submitter. Criteria: ACMG Guidelines, 2015. Collection method: clinical testing. Allele origin: germline.

All of Us Research Program, National Institutes of Health
Classification: Uncertain significance for Malignant hyperthermia, susceptibility to, 5. Last evaluated: 2023-11-30. Review status: criteria provided, single submitter. Criteria: ACMG Guidelines, 2015. Collection method: clinical testing. Allele origin: germline. Inheritance: Autosomal dominant inheritance. Observed: 1 variant allele, 1 heterozygote.
Comment: This study involves interpretation of variants in research participants for the purpose of population health screening. Participant phenotype was not available at the time of variant classification. Additional details can be found in publication PMID: 35346344, PMCID: PMC8962531

Genome-Nilou Lab
Classification: Uncertain significance for Malignant hyperthermia, susceptibility to, 5. Last evaluated: 2023-04-11. Review status: criteria provided, single submitter. Criteria: ACMG Guidelines, 2015. Collection method: clinical testing. Allele origin: germline. Affected: no.

Genome-Nilou Lab
Classification: Uncertain significance for Thyrotoxic periodic paralysis, susceptibility to, 1. Last evaluated: 2023-04-11. Review status: criteria provided, single submitter. Criteria: ACMG Guidelines, 2015. Collection method: clinical testing. Allele origin: germline. Affected: no.

Genome-Nilou Lab
Classification: Uncertain significance for Congenital myopathy 18. Last evaluated: 2023-04-11. Review status: criteria provided, single submitter. Criteria: ACMG Guidelines, 2015. Collection method: clinical testing. Allele origin: germline. Affected: no.

Genome-Nilou Lab
Classification: Uncertain significance for Hypokalemic periodic paralysis, type 1. Last evaluated: 2023-04-11. Review status: criteria provided, single submitter. Criteria: ACMG Guidelines, 2015. Collection method: clinical testing. Allele origin: germline. Affected: no.

Fulgent Genetics
Classification: Uncertain significance for Hypokalemic periodic paralysis, type 1; Thyrotoxic periodic paralysis, susceptibility to, 1; Malignant hyperthermia, susceptibility to, 5. Last evaluated: 2021-12-07. Review status: criteria provided, single submitter. Criteria: ACMG Guidelines, 2015. Collection method: clinical testing. Allele origin: unknown.

Literature cited by the submitters: PubMed 9199552 (cited by Labcorp Genetics (formerly Invitae), Labcorp).

NM_000069.3(CACNA1S):c.3256C>G (p.Arg1086Gly)

Gene: CACNA1S (calcium voltage-gated channel subunit alpha1 S; minus strand). Cytogenetic location: 1q32.1.
Variant type: single nucleotide variant.
Coding change: c.3256C>G on transcript NM_000069.3 (MANE Select); coding-DNA position 3256, C replaced by G.
Protein change: p.Arg1086Gly; replaces arginine 1086 with glycine.
Molecular consequence: missense variant.
Genome position (GRCh38, 1-based): chr1:201,060,816, G>C on the plus strand (C>G on the coding strand, the complement: CACNA1S is on the minus strand). VCF-style: chr1-201060816-G-C. GRCh37 (hg19) VCF-style: chr1-201029944-G-C.
Other names: short protein forms R1086G.
Identifiers: ClinVar variation 935742 (VCV000935742.14), dbSNP rs80338782, ClinGen allele CA079623.